The following is an entry in ClinVar:

NM_005732.4(RAD50):c.1437G>C (p.Gln479His)

Gene: RAD50 (RAD50 double strand break repair protein; plus strand). Cytogenetic location: 5q31.1.
Variant type: single nucleotide variant.
Coding change: c.1437G>C on transcript NM_005732.4 (MANE Select); coding-DNA position 1437, G replaced by C.
Protein change: p.Gln479His; replaces glutamine 479 with histidine.
Molecular consequence: missense variant.
Genome position (GRCh38, 1-based): chr5:132,589,822, G>C. VCF-style: chr5-132589822-G-C. GRCh37 (hg19) VCF-style: chr5-131925514-G-C.
Other names: c.1437G>C (NM_005732.3); short protein forms Q479H.
Identifiers: ClinVar variation 2196697 (VCV002196697.6), dbSNP rs2479637478, ClinGen allele CA360944907.
Genomic context (GRCh38, chr5:132,589,822, plus strand): 5'-TGTGAAGTATGAATTACAGCAGTTGGAAGGATCTTCAGACAGGATTCTTGAACTGGACCA[G>C]GAGCTCATAAAAGCTGTAAGATATTGTTTGAATAATCTAATAATTTTAAGATATAATACT-3'
Protein context (NP_005723.2, residues 469-489): GSSDRILELD[Gln479His]ELIKAERELS

ClinVar aggregate classification (germline): Uncertain significance. Review status: criteria provided, multiple submitters, no conflicts (2 of 4 stars). 2 submissions from 2 submitters: Uncertain significance (2). Last evaluated 2023-07-04.

Conditions:
Hereditary cancer-predisposing syndrome. Also called: Hereditary neoplastic syndrome; Neoplastic Syndromes, Hereditary; Hereditary Cancer Syndrome; Tumor predisposition. Identifiers: Orphanet 140162, MedGen C0027672, MeSH D009386, MONDO:0015356.

Submissions (2):

Ambry Genetics
Classification: Uncertain significance for Hereditary cancer-predisposing syndrome. Last evaluated: 2023-07-04. Review status: criteria provided, single submitter. Criteria: Ambry Variant Classification Scheme 2023. Collection method: clinical testing. Allele origin: germline.
Comment: The p.Q479H variant (also known as c.1437G>C), located in coding exon 9 of the RAD50 gene, results from a G to C substitution at nucleotide position 1437. The glutamine at codon 479 is replaced by histidine, an amino acid with highly similar properties. This amino acid position is conserved. In addition, this alteration is predicted to be tolerated by in silico analysis. Since supporting evidence is limited at this time, the clinical significance of this alteration remains unclear.

Labcorp Genetics (formerly Invitae), Labcorp
Classification: Uncertain significance for Hereditary cancer-predisposing syndrome. Last evaluated: 2022-10-08. Review status: criteria provided, single submitter. Criteria: Invitae Variant Classification Sherloc (09022015). Collection method: clinical testing. Allele origin: germline.
Comment: In summary, the available evidence is currently insufficient to determine the role of this variant in disease. Therefore, it has been classified as a Variant of Uncertain Significance. Advanced modeling of protein sequence and biophysical properties (such as structural, functional, and spatial information, amino acid conservation, physicochemical variation, residue mobility, and thermodynamic stability) performed at Invitae indicates that this missense variant is not expected to disrupt RAD50 protein function. This variant has not been reported in the literature in individuals affected with RAD50-related conditions. This variant is not present in population databases (gnomAD no frequency). This sequence change replaces glutamine, which is neutral and polar, with histidine, which is basic and polar, at codon 479 of the RAD50 protein (p.Gln479His).